The following is an entry in ClinVar:

NM_006031.6(PCNT):c.9967+79C>T

Gene: PCNT (pericentrin; plus strand). Cytogenetic location: 21q22.3.
Variant type: single nucleotide variant.
Coding change: c.9967+79C>T on transcript NM_006031.6 (MANE Select); 79 bases into the intron after coding-DNA position 9967, C replaced by T.
Molecular consequence: intron variant.
Genome position (GRCh38, 1-based): chr21:46,444,900, C>T. VCF-style: chr21-46444900-C-T. GRCh37 (hg19) VCF-style: chr21-47864813-C-T.
Other names: NC_000021.8:g.47864813C>T; c.9376+79C>T (NM_001315529.2).
Identifiers: ClinVar variation 670450 (VCV000670450.3), dbSNP rs2249970, ClinGen allele CA14894643.

ClinVar aggregate classification (germline): Benign. Review status: criteria provided, multiple submitters, no conflicts (2 of 4 stars). 2 submissions from 2 submitters: Benign (2). Last evaluated 2018-06-16.

Allele frequency attached by ClinVar (database versions not stated): gnomAD 0.26789 and 0.27092; TOPMed 0.27021; 1000 Genomes Project 30x 0.27655; 1000 Genomes Project 0.27935.
gnomAD v4.1: 404,533 of 1,365,358 alleles (30%); highest among the groups gnomAD compares: Admixed American, 37%; 62,218 homozygotes.

Submissions (12):

GeneDx
Classification: Benign. Last evaluated: 2018-06-16. Review status: criteria provided, single submitter. Criteria: GeneDx Variant Classification (06012015). Collection method: clinical testing. Allele origin: germline. Affected: yes.
Comment: This variant is considered likely benign or benign based on one or more of the following criteria: it is a conservative change, it occurs at a poorly conserved position in the protein, it is predicted to be benign by multiple in silico algorithms, and/or has population frequency not consistent with disease.

Breakthrough Genomics
Classification: Benign. Review status: criteria provided, single submitter. Criteria: ACMG Guidelines, 2015. Collection method: not provided. Allele origin: germline. Inheritance: Autosomal recessive inheritance. Affected: yes.

Dr. Peter K. Rogan Lab, Western University
No classification provided (evidence only). Condition: Malignant lymphoma, large B-cell, diffuse. Review status: no classification provided. Collection method: in vitro. Allele origin: not applicable. Functional consequence: retained intron. Not counted in ClinVar's aggregate classification.

Dr. Peter K. Rogan Lab, Western University
No classification provided (evidence only). Condition: Malignant lymphoma, large B-cell, diffuse. Review status: no classification provided. Collection method: in vitro. Allele origin: not applicable. Functional consequence: retained intron. Not counted in ClinVar's aggregate classification.

Dr. Peter K. Rogan Lab, Western University
No classification provided (evidence only). Condition: Malignant lymphoma, large B-cell, diffuse. Review status: no classification provided. Collection method: in vitro. Allele origin: not applicable. Functional consequence: retained intron. Not counted in ClinVar's aggregate classification.

Dr. Peter K. Rogan Lab, Western University
No classification provided (evidence only). Condition: Malignant lymphoma, large B-cell, diffuse. Review status: no classification provided. Collection method: in vitro. Allele origin: not applicable. Functional consequence: retained intron. Not counted in ClinVar's aggregate classification.

Dr. Peter K. Rogan Lab, Western University
No classification provided (evidence only). Condition: Malignant lymphoma, large B-cell, diffuse. Review status: no classification provided. Collection method: in vitro. Allele origin: not applicable. Functional consequence: retained intron. Not counted in ClinVar's aggregate classification.

Dr. Peter K. Rogan Lab, Western University
No classification provided (evidence only). Condition: Malignant lymphoma, large B-cell, diffuse. Review status: no classification provided. Collection method: in vitro. Allele origin: not applicable. Functional consequence: retained intron. Not counted in ClinVar's aggregate classification.

Dr. Peter K. Rogan Lab, Western University
No classification provided (evidence only). Condition: Hepatocellular carcinoma. Review status: no classification provided. Collection method: in vitro. Allele origin: not applicable. Functional consequence: retained intron. Not counted in ClinVar's aggregate classification.

Dr. Peter K. Rogan Lab, Western University
No classification provided (evidence only). Condition: Hepatocellular carcinoma. Review status: no classification provided. Collection method: in vitro. Allele origin: not applicable. Functional consequence: retained intron. Not counted in ClinVar's aggregate classification.

Dr. Peter K. Rogan Lab, Western University
No classification provided (evidence only). Condition: Uveal melanoma. Review status: no classification provided. Collection method: in vitro. Allele origin: not applicable. Functional consequence: retained intron. Not counted in ClinVar's aggregate classification.

Dr. Peter K. Rogan Lab, Western University
No classification provided (evidence only). Condition: Uveal melanoma. Review status: no classification provided. Collection method: in vitro. Allele origin: not applicable. Functional consequence: retained intron. Not counted in ClinVar's aggregate classification.